The following is an entry in ClinVar:

ClinVar aggregate classification (germline): Uncertain significance (1 of 4 stars; one submission).

Submission:

Labcorp Genetics (formerly Invitae), Labcorp
Classification: Uncertain significance. Last evaluated: 2020-06-21. Review status: criteria provided, single submitter. Criteria: Invitae Variant Classification Sherloc (09022015). Collection method: clinical testing. Allele origin: germline.
Comment: In summary, the available evidence is currently insufficient to determine the role of this variant in disease. Therefore, it has been classified as a Variant of Uncertain Significance. Algorithms developed to predict the effect of missense changes on protein structure and function are either unavailable or do not agree on the potential impact of this missense change (SIFT: "Not Available"; PolyPhen-2: "Probably Damaging"; Align-GVGD: "Not Available"). This variant has not been reported in the literature in individuals with MSH3-related conditions. This variant is not present in population databases (ExAC no frequency). This sequence change replaces leucine with proline at codon 548 of the MSH3 protein (p.Leu548Pro). The leucine residue is highly conserved and there is a moderate physicochemical difference between leucine and proline.

NM_002439.5(MSH3):c.1643_1644delinsCG (p.Leu548Pro)

Gene: MSH3 (mutS homolog 3; plus strand). Cytogenetic location: 5q14.1.
Variant type: Indel.
Coding change: c.1643_1644delinsCG on transcript NM_002439.5 (MANE Select); coding-DNA positions 1643 to 1644, TA replaced by CG.
Protein change: p.Leu548Pro; replaces leucine 548 with proline.
Molecular consequence: missense variant.
Genome position (GRCh38, 1-based): chr5:80,741,538-80,741,539, TA replaced by CG. VCF-style: chr5-80741538-TA-CG. GRCh37 (hg19) VCF-style: chr5-80037357-TA-CG.
Other names: short protein forms L548P.
Identifiers: ClinVar variation 1001930 (VCV001001930.7), dbSNP rs1743614623, ClinGen allele CA1558510613.